The following is an entry in ClinVar:

NM_006766.5(KAT6A):c.5809C>T (p.His1937Tyr)

Gene: KAT6A (lysine acetyltransferase 6A; minus strand). Cytogenetic location: 8p11.21.
Variant type: single nucleotide variant.
Coding change: c.5809C>T on transcript NM_006766.5 (MANE Select); coding-DNA position 5809, C replaced by T.
Protein change: p.His1937Tyr; replaces histidine 1937 with tyrosine.
Molecular consequence: missense variant.
Genome position (GRCh38, 1-based): chr8:41,932,411, G>A on the plus strand (C>T on the coding strand, the complement: KAT6A is on the minus strand). VCF-style: chr8-41932411-G-A. GRCh37 (hg19) VCF-style: chr8-41789929-G-A.
Other names: short protein forms H1937Y.
Identifiers: ClinVar variation 1310678 (VCV001310678.3), dbSNP rs1821595441, ClinGen allele CA371060286.
Genomic context (GRCh38, chr8:41,932,411, plus strand): 5'-TTCCCATCTGCATCTGCATAGGATACTGTGCTGTCTGGTTCATGTAGGCAGGGTTACTAT[G>A]GTAACTGCTGTTCATCATGGGCTGTGTCATTCGATAGCTGTTCATGGCATTCAAGGTGTT-3'
Protein context (NP_006757.2, residues 1927-1947): MTQPMMNSSY[His1937Tyr]SNPAYMNQTA

ClinVar aggregate classification (germline): Uncertain significance. Review status: criteria provided, multiple submitters, no conflicts (2 of 4 stars). 2 submissions from 2 submitters: Uncertain significance (2). Last evaluated 2024-09-06.

Conditions:
Autosomal dominant intellectual disability-craniofacial anomalies-cardiac defects syndrome (ARTHS). Also called: Mental retardation, autosomal dominant 32; Arboleda-Tham syndrome; KAT6A syndrome. Identifiers: Orphanet 457193, MedGen C4225396, MONDO:0014558, OMIM 616268.

Allele frequency attached by ClinVar (database versions not stated): gnomAD 0.00001.
gnomAD v4.1: 1 of 1,614,088 alleles (0.000062%); highest among the groups gnomAD compares: Non-Finnish European, 0.000085%; no homozygotes.

Submissions (2):

Revvity Omics, Revvity
Classification: Uncertain significance for Autosomal dominant intellectual disability-craniofacial anomalies-cardiac defects syndrome. Last evaluated: 2024-09-06. Review status: criteria provided, single submitter. Criteria: ACMG Guidelines, 2015. Collection method: clinical testing. Allele origin: germline.

GeneDx
Classification: Uncertain significance. Last evaluated: 2019-12-26. Review status: criteria provided, single submitter. Criteria: GeneDx Variant Classification Process June 2021. Collection method: clinical testing. Allele origin: germline. Affected: yes.
Comment: Not observed in large population cohorts (Lek et al., 2016); In silico analysis, which includes protein predictors and evolutionary conservation, supports a deleterious effect; Has not been previously published as pathogenic or benign to our knowledge